The following is an entry in ClinVar:

ClinVar aggregate classification (germline): Pathogenic (1 of 4 stars; one submission).

Conditions:
Anophthalmia/microphthalmia-esophageal atresia syndrome (MCOPS3). Also called: MICROPHTHALMIA AND ESOPHAGEAL ATRESIA SYNDROME; AEG SYNDROME; SOX2 Disorder. Identifiers: Orphanet 77298, MedGen C1859773, MONDO:0008799, OMIM 206900.

Submission:

Labcorp Genetics (formerly Invitae), Labcorp
Classification: Pathogenic for Anophthalmia/microphthalmia-esophageal atresia syndrome. Last evaluated: 2025-06-23. Review status: criteria provided, single submitter. Criteria: Invitae Variant Classification Sherloc (09022015). Collection method: clinical testing. Allele origin: germline.
Comment: This sequence change creates a premature translational stop signal (p.Gly31Thrfs*13) in the SOX2 gene. While this is not anticipated to result in nonsense mediated decay, it is expected to disrupt the last 287 amino acid(s) of the SOX2 protein. This variant is not present in population databases (gnomAD no frequency). This variant has not been reported in the literature in individuals affected with SOX2-related conditions. This variant disrupts a region of the SOX2 protein in which other variant(s) (p.Gln177*) have been determined to be pathogenic (PMID: 12612584, 16932809). This suggests that this is a clinically significant region of the protein, and that variants that disrupt it are likely to be disease-causing. For these reasons, this variant has been classified as Pathogenic.

Literature cited by the submitters: PubMed 12612584; PubMed 16932809.

NM_003106.4(SOX2):c.90_96del (p.Gly31fs)

Genes: SOX2 (SRY-box transcription factor 2; plus strand), SOX2-OT (SOX2 overlapping transcript; plus strand), LOC108281177 (SOX2 5' regulatory region; plus strand). Cytogenetic location: 3q26.33.
Variant type: Microsatellite.
Coding change: c.90_96del on transcript NM_003106.4 (MANE Select); coding-DNA positions 90 to 96, 7 bases deleted (CGGCGGC; older notation c.90_96delCGGCGGC).
Protein change: p.Gly31fs; shifts the reading frame from glycine 31.
Molecular consequence: frameshift variant.
Genome position (GRCh38, 1-based): chr3:181,712,450-181,712,456, CGGCGGC deleted; deleting any 7 consecutive bases within chr3:181,712,443-181,712,456 gives the same sequence; the c. name uses the placement nearest the transcript's 3' end. VCF-style (leftmost placement, unchanged base first): chr3-181712442-GCGGCGGC-G. GRCh37 (hg19) VCF-style: chr3-181430230-GCGGCGGC-G.
Other names: short protein forms G31fs.
Identifiers: ClinVar variation 4721391 (VCV004721391.1).